The following is an entry in ClinVar:

ClinVar aggregate classification (germline): Benign/Likely benign. Review status: criteria provided, multiple submitters, no conflicts (2 of 4 stars). 4 submissions from 4 submitters: Benign (1); Likely benign (1). 2 of the submissions do not count toward it. Last evaluated 2022-03-23.

Conditions:
Familial cancer of breast. Also called: BREAST CANCER, FAMILIAL; Hereditary breast cancer; hereditary breast carcinoma. Identifiers: Orphanet 227535, MedGen C0346153, MONDO:0016419, OMIM 114480. Disease mechanism: loss of function.
Estrogen resistance syndrome. Also called: Estrogen resistance; ESTROGEN INSENSITIVITY. Identifiers: Orphanet 785, MedGen C3809250, MONDO:0014148, OMIM 615363.
Myocardial infarction, susceptibility to. Identifiers: MedGen C1832662, MONDO:0012039, OMIM 608446.
Migraine with or without aura, susceptibility to, 1. Identifiers: MedGen C3887485, MONDO:0008000, OMIM 157300.
ESR1-related disorder. Also called: ESR1-related condition.
Migraine with or without aura, susceptibility to. Also called: Migraine, susceptibility to. Identifiers: MedGen CN300932, MONDO:0100246.

Allele frequency attached by ClinVar (database versions not stated): ESP Exome Variant Server 0.17200; gnomAD 0.17850 and 0.17968; TOPMed 0.18188; 1000 Genomes Project 30x 0.18801; 1000 Genomes Project 0.18870; ExAC 0.18928; gnomAD exomes 0.19011 and 0.19368.
gnomAD v4.1: 304,137 of 1,612,120 alleles (19%); highest among the groups gnomAD compares: Admixed American, 26%; 29,351 homozygotes.

Submissions (4):

Fulgent Genetics
Classification: Likely benign for Familial cancer of breast; Migraine with or without aura, susceptibility to, 1; Myocardial infarction, susceptibility to; Estrogen resistance syndrome. Last evaluated: 2022-03-23. Review status: criteria provided, single submitter. Criteria: ACMG Guidelines, 2015. Collection method: clinical testing. Allele origin: unknown.

GeneDx
Classification: Benign. Last evaluated: 2018-08-17. Review status: criteria provided, single submitter. Criteria: GeneDx Variant Classification Process June 2021. Collection method: clinical testing. Allele origin: germline. Affected: yes.
Comment: This variant is associated with the following publications: (PMID: 15934440, 19636371, 19860576)

PreventionGenetics, part of Exact Sciences
Classification: Benign for ESR1-related condition. Last evaluated: 2019-03-11. Review status: no assertion criteria provided. Collection method: clinical testing. Allele origin: germline. Not counted in ClinVar's aggregate classification.
Comment: This variant is classified as benign based on ACMG/AMP sequence variant interpretation guidelines (Richards et al. 2015 PMID: 25741868, with internal and published modifications).

OMIM
Classification: risk factor for MIGRAINE, SUSCEPTIBILITY TO. Last evaluated: 2004-06-01. Review status: no assertion criteria provided. Collection method: literature only. Allele origin: germline. Not counted in ClinVar's aggregate classification.

Literature cited by the submitters: PubMed 15133719 (cited by OMIM).

NM_000125.4(ESR1):c.1782G>A (p.Thr594=)

Gene: ESR1 (estrogen receptor 1; plus strand). Cytogenetic location: 6q25.1.
Variant type: single nucleotide variant.
Coding change: c.1782G>A on transcript NM_000125.4 (MANE Select); coding-DNA position 1782, G replaced by A.
Protein change: p.Thr594=; no amino-acid change (threonine 594 retained).
Molecular consequence: synonymous variant. On other transcripts: 3 prime UTR variant (3), intron variant (1).
Genome position (GRCh38, 1-based): chr6:152,098,960, G>A. VCF-style: chr6-152098960-G-A. GRCh37 (hg19) VCF-style: chr6-152420095-G-A.
Other names: 594G-A; c.1782G>A, p.Thr594= (NM_001122740.2, NM_001122741.2, NM_001122742.2 and 2 more transcripts); c.1788G>A, p.Thr596= (NM_001291230.2); c.1779G>A, p.Thr593= (NM_001291241.2); c.*197G>A (NM_001385570.1, NM_001385571.1, NM_001385572.1); c.851-26306G>A (NM_001328100.2).
Identifiers: ClinVar variation 1263746 (VCV001263746.6), dbSNP rs2228480, ClinGen allele CA4052546.